The following is an entry in ClinVar:

ClinVar aggregate classification (germline): Likely pathogenic. Review status: criteria provided, multiple submitters, no conflicts (2 of 4 stars). 3 submissions from 3 submitters: Likely pathogenic (3). Last evaluated 2024-06-21.

Conditions:
Autosomal recessive limb-girdle muscular dystrophy type 2C (LGMDR5). Also called: MUSCULAR DYSTROPHY, LIMB-GIRDLE, AUTOSOMAL RECESSIVE 5; MUSCULAR DYSTROPHY, DUCHENNE-LIKE. Identifiers: Orphanet 353, MedGen C0410173, MONDO:0009677, OMIM 253700. Disease mechanism: Affects gamma-sarcoglycan and also disrupts the integrity of the entire sarcoglycan complex..

Submissions (3):

Revvity Omics, Revvity
Classification: Likely pathogenic for Autosomal recessive limb-girdle muscular dystrophy type 2C. Last evaluated: 2024-06-21. Review status: criteria provided, single submitter. Criteria: ACMG Guidelines, 2015. Collection method: clinical testing. Allele origin: germline.

Baylor Genetics
Classification: Likely pathogenic for Autosomal recessive limb-girdle muscular dystrophy type 2C. Last evaluated: 2024-02-20. Review status: criteria provided, single submitter. Criteria: ACMG Guidelines, 2015. Collection method: clinical testing. Allele origin: unknown.

Labcorp Genetics (formerly Invitae), Labcorp
Classification: Likely pathogenic for Autosomal recessive limb-girdle muscular dystrophy type 2C. Last evaluated: 2023-04-14. Review status: criteria provided, single submitter. Criteria: Invitae Variant Classification Sherloc (09022015). Collection method: clinical testing. Allele origin: germline.
Comment: ClinVar contains an entry for this variant (Variation ID: 2016895). In summary, the currently available evidence indicates that the variant is pathogenic, but additional data are needed to prove that conclusively. Therefore, this variant has been classified as Likely Pathogenic. Algorithms developed to predict the effect of sequence changes on RNA splicing suggest that this variant may disrupt the consensus splice site. This variant has not been reported in the literature in individuals affected with SGCG-related conditions. This variant is not present in population databases (gnomAD no frequency). This sequence change affects a donor splice site in intron 4 of the SGCG gene. It is expected to disrupt RNA splicing. Variants that disrupt the donor or acceptor splice site typically lead to a loss of protein function (PMID: 16199547), and loss-of-function variants in SGCG are known to be pathogenic (PMID: 18285821).

Literature cited by the submitters: PubMed 16199547 (cited by Labcorp Genetics (formerly Invitae), Labcorp); PubMed 18285821 (cited by Labcorp Genetics (formerly Invitae), Labcorp).

NM_000231.3(SGCG):c.385+1G>A

Gene: SGCG (sarcoglycan gamma; plus strand). Cytogenetic location: 13q12.12.
Variant type: single nucleotide variant.
Coding change: c.385+1G>A on transcript NM_000231.3 (MANE Select); the canonical splice donor site of the intron after coding-DNA position 385, G replaced by A.
Molecular consequence: splice donor variant.
Genome position (GRCh38, 1-based): chr13:23,250,718, G>A. VCF-style: chr13-23250718-G-A. GRCh37 (hg19) VCF-style: chr13-23824857-G-A.
Other names: c.439+1G>A (NM_001378244.1); c.385+1G>A (NM_001378245.1, NM_001378246.1, NM_000231.2).
Identifiers: ClinVar variation 2016895 (VCV002016895.6), dbSNP rs2541936716, ClinGen allele CA387501696.